The following is an entry in ClinVar:

NM_000263.4(NAGLU):c.1675G>A (p.Asp559Asn)

Gene: NAGLU (N-acetyl-alpha-glucosaminidase; plus strand). Cytogenetic location: 17q21.2.
Variant type: single nucleotide variant.
Coding change: c.1675G>A on transcript NM_000263.4 (MANE Select); coding-DNA position 1675, G replaced by A.
Protein change: p.Asp559Asn; replaces aspartic acid 559 with asparagine.
Molecular consequence: missense variant.
Genome position (GRCh38, 1-based): chr17:42,543,681, G>A. VCF-style: chr17-42543681-G-A. GRCh37 (hg19) VCF-style: chr17-40695699-G-A.
Other names: c.1675G>A (NM_000263.3); short protein forms D559N.
Identifiers: ClinVar variation 1324776 (VCV001324776.10), dbSNP rs767510451, ClinGen allele CA8577075.

ClinVar aggregate classification (germline): Pathogenic/Likely pathogenic. Review status: criteria provided, multiple submitters, no conflicts (2 of 4 stars). 4 submissions from 4 submitters: Pathogenic (1); Likely pathogenic (3). Last evaluated 2026-01-24.

Conditions:
Mucopolysaccharidosis, MPS-III-B (MPS3B). Also called: MPS IIIB (Sanfilippo Syndrome Type B); N-ACETYL-ALPHA-D-GLUCOSAMINIDASE DEFICIENCY; NAGLU DEFICIENCY; MUCOPOLYSACCHARIDOSIS, TYPE IIIB; Mucopolysaccharidosis type IIIB (Sanfilippo B); SANFILIPPO SYNDROME B. Identifiers: Orphanet 79270, MedGen C0086648, MONDO:0009656, OMIM 252920.

Allele frequency attached by ClinVar (database versions not stated): TOPMed below 0.00001; 1000 Genomes Project 30x 0.00016; gnomAD exomes below 0.00001.
gnomAD v4.1: 7 of 1,612,830 alleles (0.00043%); highest among the groups gnomAD compares: East Asian, 0.0022%; no homozygotes.

Submissions (4):

GeneDx
Classification: Pathogenic. Last evaluated: 2026-01-24. Review status: criteria provided, single submitter. Criteria: GeneDx Variant Classification Process June 2021. Collection method: clinical testing. Allele origin: germline. Affected: yes.
Comment: Published functional studies demonstrate a damaging effect on enzyme activity (PMID: 29979746); Not observed at significant frequency in large population cohorts (gnomAD); In silico analysis supports that this missense variant has a deleterious effect on protein structure/function; This variant is associated with the following publications: (PMID: 29979746)

Natera, Inc.
Classification: Likely pathogenic for Mucopolysaccharidosis type IIIB. Last evaluated: 2025-06-23. Review status: criteria provided, single submitter. Criteria: Natera Variant Classification Schema (03/2026). Collection method: clinical testing. Allele origin: germline.
Comment: The c.1675G>A variant in NAGLU is a missense variant predicted to cause substitution of aspartic acid to asparagine at amino acid 559. This variant is rare in the general population with a frequency below the threshold expected for the associated phenotype(s). Functional studies show that this variant may disrupt protein function (PMID: 29979746). A different variant at the same position has been determined to be Pathogenic or Likely Pathogenic. Computational prediction algorithms indicate this variant is likely to affect gene or protein function. Given the available evidence, this variant is classified as Likely Pathogenic.

Kasturba Medical College, Manipal, Kasturba Medical College, Manipal, Manipal Academy of Higher Education, Manipal, India
Classification: Likely pathogenic for Mucopolysaccharidosis, MPS-III-B. Last evaluated: 2022-05-09. Review status: criteria provided, single submitter. Criteria: ACMG Guidelines, 2015. Collection method: clinical testing. Allele origin: germline. Affected: yes.

Revvity Omics, Revvity
Classification: Likely pathogenic. Last evaluated: 2021-06-15. Review status: criteria provided, single submitter. Criteria: ACMG Guidelines, 2015. Collection method: clinical testing. Allele origin: germline.

Literature cited by the submitters: PubMed 29979746 (cited by Natera, Inc.).